The following is an entry in ClinVar:

NM_001356.5(DDX3X):c.1433G>A (p.Arg478Lys)

Gene: DDX3X (DEAD-box helicase 3 X-linked; plus strand). Cytogenetic location: Xp11.4.
Variant type: single nucleotide variant.
Coding change: c.1433G>A on transcript NM_001356.5 (MANE Select); coding-DNA position 1433, G replaced by A.
Protein change: p.Arg478Lys; replaces arginine 478 with lysine.
Molecular consequence: missense variant. On other transcripts: non-coding transcript variant (1).
Genome position (GRCh38, 1-based): chrX:41,346,346, G>A. VCF-style: chrX-41346346-G-A. GRCh37 (hg19) VCF-style: chrX-41205599-G-A.
Other names: c.1433G>A, p.Arg478Lys (NM_001193416.3); c.1385G>A, p.Arg462Lys (NM_001193417.3); c.875G>A, p.Arg292Lys (NM_001363819.1); short protein forms R462K, R478K, R292K.
Identifiers: ClinVar variation 2907507 (VCV002907507.3), dbSNP rs939577582, ClinGen allele CA329021453.

ClinVar aggregate classification (germline): Uncertain significance (1 of 4 stars; one submission).

Allele frequency attached by ClinVar (database versions not stated): gnomAD 0.00004; gnomAD exomes below 0.00001; TOPMed 0.00001.
gnomAD v4.1: 6 of 1,209,862 alleles (0.0005%); highest among the groups gnomAD compares: Admixed American, 0.0022%; no homozygotes.

Submission:

Labcorp Genetics (formerly Invitae), Labcorp
Classification: Uncertain significance. Last evaluated: 2025-11-25. Review status: criteria provided, single submitter. Criteria: Invitae Variant Classification Sherloc (09022015). Collection method: clinical testing. Allele origin: germline.
Comment: This sequence change replaces arginine, which is basic and polar, with lysine, which is basic and polar, at codon 478 of the DDX3X protein (p.Arg478Lys). This variant is present in population databases (no rsID available, gnomAD 0.02%). This variant has not been reported in the literature in individuals affected with DDX3X-related conditions. ClinVar contains an entry for this variant (Variation ID: 2907507). Experimental studies and prediction algorithms are not available or were not evaluated, and the functional significance of this variant is currently unknown. In summary, the available evidence is currently insufficient to determine the role of this variant in disease. Therefore, it has been classified as a Variant of Uncertain Significance.